The following is an entry in ClinVar:

NM_001375567.1(FOCAD):c.5047G>A (p.Ala1683Thr)

Gene: FOCAD (focadhesin; plus strand). Cytogenetic location: 9p21.3.
Variant type: single nucleotide variant.
Coding change: c.5047G>A on transcript NM_001375567.1 (MANE Select); coding-DNA position 5047, G replaced by A.
Protein change: p.Ala1683Thr; replaces alanine 1683 with threonine.
Molecular consequence: missense variant.
Genome position (GRCh38, 1-based): chr9:20,990,165, G>A. VCF-style: chr9-20990165-G-A. GRCh37 (hg19) VCF-style: chr9-20990164-G-A.
Other names: c.4942G>A, p.Ala1648Thr (NM_001375568.1, NM_001375570.1); c.5047G>A, p.Ala1683Thr (NM_017794.5); short protein forms A1648T, A1683T.
Identifiers: ClinVar variation 777834 (VCV000777834.32), dbSNP rs150147497, ClinGen allele CA5008181.

ClinVar aggregate classification (germline): Benign. Review status: criteria provided, multiple submitters, no conflicts (2 of 4 stars). 4 submissions from 4 submitters: Benign (3). 1 of the submissions does not count toward it. Last evaluated 2026-01-30.

Conditions:
FOCAD-related disorder. Also called: FOCAD-related condition.

Allele frequency attached by ClinVar (database versions not stated): 1000 Genomes Project 0.00339; 1000 Genomes Project 30x 0.00375; TOPMed 0.00794; gnomAD 0.00846 and 0.00904; ESP Exome Variant Server 0.00930.
gnomAD v4.1: 21,209 of 1,614,196 alleles (1.3%); highest among the groups gnomAD compares: Non-Finnish European, 1.6%; 193 homozygotes.

Submissions (4):

Labcorp Genetics (formerly Invitae), Labcorp
Classification: Benign. Last evaluated: 2026-01-30. Review status: criteria provided, single submitter. Criteria: Invitae Variant Classification Sherloc (09022015). Collection method: clinical testing. Allele origin: germline.

CeGaT Center for Human Genetics Tuebingen
Classification: Benign. Last evaluated: 2023-11-01. Review status: criteria provided, single submitter. Criteria: CeGaT Center For Human Genetics Tuebingen Variant Classification Criteria Version 2. Collection method: clinical testing. Allele origin: germline. Affected: yes. Observed: 1 variant allele.
Comment: FOCAD: BP4, BS1, BS2

Breakthrough Genomics
Classification: Benign. Review status: criteria provided, single submitter. Criteria: ACMG Guidelines, 2015. Collection method: not provided. Allele origin: germline. Inheritance: Autosomal recessive inheritance. Affected: yes.

PreventionGenetics, part of Exact Sciences
Classification: Benign for FOCAD-related condition. Last evaluated: 2019-04-30. Review status: no assertion criteria provided. Collection method: clinical testing. Allele origin: germline. Not counted in ClinVar's aggregate classification.
Comment: This variant is classified as benign based on ACMG/AMP sequence variant interpretation guidelines (Richards et al. 2015 PMID: 25741868, with internal and published modifications).